The following is an entry in ClinVar:

NM_001365951.3(KIF1B):c.4548G>T (p.Glu1516Asp)

Gene: KIF1B (kinesin family member 1B; plus strand). Cytogenetic location: 1p36.22.
Variant type: single nucleotide variant.
Coding change: c.4548G>T on transcript NM_001365951.3 (MANE Select); coding-DNA position 4548, G replaced by T.
Protein change: p.Glu1516Asp; replaces glutamic acid 1516 with aspartic acid.
Molecular consequence: missense variant.
Genome position (GRCh38, 1-based): chr1:10,365,444, G>T. VCF-style: chr1-10365444-G-T. GRCh37 (hg19) VCF-style: chr1-10425502-G-T.
Other names: c.4548G>T, p.Glu1516Asp (NM_001365952.1); c.4410G>T, p.Glu1470Asp (NM_015074.3); short protein forms E1470D, E1516D.
Identifiers: ClinVar variation 2167326 (VCV002167326.6), dbSNP rs369417443, ClinGen allele CA582122.

ClinVar aggregate classification (germline): Uncertain significance. Review status: criteria provided, multiple submitters, no conflicts (2 of 4 stars). 2 submissions from 2 submitters: Uncertain significance (2). Last evaluated 2023-07-18.

Conditions:
Charcot-Marie-Tooth disease type 2. Also called: Charcot-Marie-Tooth type 2. Identifiers: Orphanet 64746, MedGen C0270914, MONDO:0018993.

Allele frequency attached by ClinVar (database versions not stated): ESP Exome Variant Server 0.00008; gnomAD exomes 0.00001; ExAC 0.00001; TOPMed 0.00001.
gnomAD v4.1: 4 of 1,614,054 alleles (0.00025%); highest among the groups gnomAD compares: Non-Finnish European, 0.00034%; no homozygotes.

Submissions (2):

Ambry Genetics
Classification: Uncertain significance. Last evaluated: 2023-07-18. Review status: criteria provided, single submitter. Criteria: Ambry Variant Classification Scheme 2023. Collection method: clinical testing. Allele origin: germline.
Comment: The p.E1470D variant (also known as c.4410G>T), located in coding exon 40 of the KIF1B gene, results from a G to T substitution at nucleotide position 4410. The glutamic acid at codon 1470 is replaced by aspartic acid, an amino acid with highly similar properties. This amino acid position is not well conserved in available vertebrate species. In addition, this alteration is predicted to be tolerated by in silico analysis. The evidence for this gene-disease relationship is limited; therefore, the clinical significance of this alteration is unclear.

Labcorp Genetics (formerly Invitae), Labcorp
Classification: Uncertain significance for Charcot-Marie-Tooth disease type 2. Last evaluated: 2023-05-01. Review status: criteria provided, single submitter. Criteria: Invitae Variant Classification Sherloc (09022015). Collection method: clinical testing. Allele origin: germline.
Comment: This sequence change replaces glutamic acid, which is acidic and polar, with aspartic acid, which is acidic and polar, at codon 1470 of the KIF1B protein (p.Glu1470Asp). This variant is not present in population databases (gnomAD no frequency). This variant has not been reported in the literature in individuals affected with KIF1B-related conditions. ClinVar contains an entry for this variant (Variation ID: 2167326). Algorithms developed to predict the effect of missense changes on protein structure and function output the following: SIFT: "Not Available"; PolyPhen-2: "Benign"; Align-GVGD: "Not Available". The aspartic acid amino acid residue is found in multiple mammalian species, which suggests that this missense change does not adversely affect protein function. In summary, the available evidence is currently insufficient to determine the role of this variant in disease. Therefore, it has been classified as a Variant of Uncertain Significance.